The following is an entry in ClinVar:

NM_005909.5(MAP1B):c.5730_5733del (p.Arg1911fs)

Gene: MAP1B (microtubule associated protein 1B; plus strand). Cytogenetic location: 5q13.2.
Variant type: Microsatellite.
Coding change: c.5730_5733del on transcript NM_005909.5 (MANE Select); coding-DNA positions 5730 to 5733, 4 bases deleted (GAGA; older notation c.5730_5733delGAGA).
Protein change: p.Arg1911fs; shifts the reading frame from arginine 1911.
Molecular consequence: frameshift variant.
Genome position (GRCh38, 1-based): chr5:72,199,085-72,199,088, GAGA deleted; deleting any 4 consecutive bases within chr5:72,199,082-72,199,088 gives the same sequence; the c. name uses the placement nearest the transcript's 3' end. VCF-style (leftmost placement, unchanged base first): chr5-72199081-TAGAG-T. GRCh37 (hg19) VCF-style: chr5-71494908-TAGAG-T.
Other names: c.5352_5355del, p.Arg1785fs (NM_001324255.2); short protein forms R1785fs, R1911fs.
Identifiers: ClinVar variation 4987493 (VCV004987493.1).

ClinVar aggregate classification (germline): Likely pathogenic (1 of 4 stars; one submission).

Conditions:
MAP1B-related disorder. Also called: MAP1B-related condition.

Submission:

PreventionGenetics, part of Exact Sciences
Classification: Likely pathogenic for MAP1B-related condition. Last evaluated: 2025-02-06. Review status: criteria provided, single submitter. Criteria: ACMG Guidelines, 2015. Collection method: clinical testing. Allele origin: germline.
Comment: The MAP1B c.5730_5733delGAGA variant is predicted to result in a frameshift and premature protein termination (p.Arg1911Profs*48). To our knowledge, this variant has not been reported in the literature or in a large population database (gnomAD), indicating this variant is rare. Frameshift variants in MAP1B are expected to be pathogenic. This variant is interpreted as likely pathogenic.